The following is an entry in ClinVar:

ClinVar aggregate classification (germline): Uncertain significance (1 of 4 stars; one submission).

Submission:

GeneDx
Classification: Uncertain significance. Last evaluated: 2023-02-16. Review status: criteria provided, single submitter. Criteria: GeneDx Variant Classification Process June 2021. Collection method: clinical testing. Allele origin: germline. Affected: yes.
Comment: Not observed at significant frequency in large population cohorts (gnomAD); In silico analysis supports that this missense variant does not alter protein structure/function; Has not been previously published as pathogenic or benign to our knowledge

NM_030665.4(RAI1):c.3292G>T (p.Val1098Leu)

Gene: RAI1 (retinoic acid induced 1; plus strand). Cytogenetic location: 17p11.2.
Variant type: single nucleotide variant.
Coding change: c.3292G>T on transcript NM_030665.4 (MANE Select); coding-DNA position 3292, G replaced by T.
Protein change: p.Val1098Leu; replaces valine 1098 with leucine.
Molecular consequence: missense variant.
Genome position (GRCh38, 1-based): chr17:17,796,240, G>T. VCF-style: chr17-17796240-G-T. GRCh37 (hg19) VCF-style: chr17-17699554-G-T.
Other names: short protein forms V1098L.
Identifiers: ClinVar variation 2576864 (VCV002576864.1), dbSNP rs2508586342, ClinGen allele CA398553282.